The following is an entry in ClinVar:

NM_173560.4(RFX6):c.506C>T (p.Thr169Ile)

Gene: RFX6 (regulatory factor X6; plus strand). Cytogenetic location: 6q22.1.
Variant type: single nucleotide variant.
Coding change: c.506C>T on transcript NM_173560.4 (MANE Select); coding-DNA position 506, C replaced by T.
Protein change: p.Thr169Ile; replaces threonine 169 with isoleucine.
Molecular consequence: missense variant.
Genome position (GRCh38, 1-based): chr6:116,882,368, C>T. VCF-style: chr6-116882368-C-T. GRCh37 (hg19) VCF-style: chr6-117203531-C-T.
Other names: short protein forms T169I.
Identifiers: ClinVar variation 1472419 (VCV001472419.6), dbSNP rs2114662048, ClinGen allele CA365427956.
Genomic context (GRCh38, chr6:116,882,368, plus strand): 5'-GTGGCTTGCATTAGGACCATATACTTTCTAACGCCTAAAGTAATCATCTTTCTTTTTAGA[C>T]AATTCGCCAGAAGTTTCCCCTCCTAACAACAAGGCGGCTTGGAACAAGAGGCCATTCAAA-3'
Protein context (NP_775831.2, residues 159-179): EPACAATFGK[Thr169Ile]IRQKFPLLTT

ClinVar aggregate classification (germline): Uncertain significance (1 of 4 stars; one submission).

Allele frequency attached by ClinVar (database versions not stated): gnomAD exomes below 0.00001.
gnomAD v4.1: 1 of 1,611,968 alleles (0.000062%); highest among the groups gnomAD compares: Non-Finnish European, 0.000085%; no homozygotes.

Submission:

Labcorp Genetics (formerly Invitae), Labcorp
Classification: Uncertain significance. Last evaluated: 2025-01-13. Review status: criteria provided, single submitter. Criteria: Invitae Variant Classification Sherloc (09022015). Collection method: clinical testing. Allele origin: germline.
Comment: This sequence change replaces threonine, which is neutral and polar, with isoleucine, which is neutral and non-polar, at codon 169 of the RFX6 protein (p.Thr169Ile). This variant is not present in population databases (gnomAD no frequency). This variant has not been reported in the literature in individuals affected with RFX6-related conditions. ClinVar contains an entry for this variant (Variation ID: 1472419). An algorithm developed to predict the effect of missense changes on protein structure and function (PolyPhen-2) suggests that this variant is likely to be disruptive. In summary, the available evidence is currently insufficient to determine the role of this variant in disease. Therefore, it has been classified as a Variant of Uncertain Significance.